The following is an entry in ClinVar:

ClinVar aggregate classification (germline): Uncertain significance. Review status: criteria provided, multiple submitters, no conflicts (2 of 4 stars). 2 submissions from 2 submitters: Uncertain significance (2). Last evaluated 2023-07-17.

Allele frequency attached by ClinVar (database versions not stated): gnomAD exomes below 0.00001; gnomAD 0.00001; ExAC 0.00002.
gnomAD v4.1: 4 of 1,606,528 alleles (0.00025%); highest among the groups gnomAD compares: South Asian, 0.0022%; no homozygotes.

Submissions (2):

Labcorp Genetics (formerly Invitae), Labcorp
Classification: Uncertain significance. Last evaluated: 2023-07-17. Review status: criteria provided, single submitter. Criteria: Invitae Variant Classification Sherloc (09022015). Collection method: clinical testing. Allele origin: germline.
Comment: This sequence change replaces aspartic acid, which is acidic and polar, with tyrosine, which is neutral and polar, at codon 726 of the COL11A2 protein (p.Asp726Tyr). The frequency data for this variant in the population databases is considered unreliable, as metrics indicate poor data quality at this position in the gnomAD database. This variant has not been reported in the literature in individuals affected with COL11A2-related conditions. ClinVar contains an entry for this variant (Variation ID: 1425923). Advanced modeling of protein sequence and biophysical properties (such as structural, functional, and spatial information, amino acid conservation, physicochemical variation, residue mobility, and thermodynamic stability) performed at Invitae indicates that this missense variant is not expected to disrupt COL11A2 protein function. In summary, the available evidence is currently insufficient to determine the role of this variant in disease. Therefore, it has been classified as a Variant of Uncertain Significance.

Blueprint Genetics
Classification: Uncertain significance. Last evaluated: 2022-01-04. Review status: criteria provided, single submitter. Criteria: ACMG Guidelines, 2015. Collection method: clinical testing. Allele origin: germline.

NM_080680.3(COL11A2):c.2176G>T (p.Asp726Tyr)

Gene: COL11A2 (collagen type XI alpha 2 chain; minus strand). Cytogenetic location: 6p21.32.
Variant type: single nucleotide variant.
Coding change: c.2176G>T on transcript NM_080680.3 (MANE Select); coding-DNA position 2176, G replaced by T.
Protein change: p.Asp726Tyr; replaces aspartic acid 726 with tyrosine.
Molecular consequence: missense variant.
Genome position (GRCh38, 1-based): chr6:33,176,297, C>A on the plus strand (G>T on the coding strand, the complement: COL11A2 is on the minus strand). VCF-style: chr6-33176297-C-A. GRCh37 (hg19) VCF-style: chr6-33144074-C-A.
Other names: c.1855G>T, p.Asp619Tyr (NM_080679.3); c.1918G>T, p.Asp640Tyr (NM_080681.3); short protein forms D640Y, D726Y, D619Y.
Identifiers: ClinVar variation 1425923 (VCV001425923.5), dbSNP rs748424898, ClinGen allele CA3751013.